The following is an entry in ClinVar:

NM_001004311.3(FIGLA):c.94G>A (p.Glu32Lys)

Gene: FIGLA (folliculogenesis specific bHLH transcription factor; minus strand). Cytogenetic location: 2p13.3.
Variant type: single nucleotide variant.
Coding change: c.94G>A on transcript NM_001004311.3 (MANE Select); coding-DNA position 94, G replaced by A.
Protein change: p.Glu32Lys; replaces glutamic acid 32 with lysine.
Molecular consequence: missense variant.
Genome position (GRCh38, 1-based): chr2:70,790,545, C>T on the plus strand (G>A on the coding strand, the complement: FIGLA is on the minus strand). VCF-style: chr2-70790545-C-T. GRCh37 (hg19) VCF-style: chr2-71017677-C-T.
Other names: short protein forms E32K.
Identifiers: ClinVar variation 2345423 (VCV002345423.4), dbSNP rs1230369710, ClinGen allele CA347170488.
Genomic context (GRCh38, chr2:70,790,545, plus strand): 5'-CCGAGGGCAGCCGCTTGAGCCGGCAGACAGCGGCCAGCTGGGGCAGCGGCCCGAACTGCT[C>T]CCGCAACACGTCCTCCAGCACCTCGGCTTGCGGGGTGCCCAGGAGCGCGGGCGGCGCGGC-3'
Protein context (NP_001004311.2, residues 22-42): QAEVLEDVLR[Glu32Lys]QFGPLPQLAA

ClinVar aggregate classification (germline): Uncertain significance. Review status: criteria provided, multiple submitters, no conflicts (2 of 4 stars). 2 submissions from 2 submitters: Uncertain significance (2). Last evaluated 2025-08-31.

Conditions:
FIGLA-related condition.
Inborn genetic diseases. Identifiers: MedGen C0950123, MeSH D030342.

Allele frequency attached by ClinVar (database versions not stated): gnomAD 0.00002; TOPMed 0.00002; gnomAD exomes 0.00005.

Submissions (2):

Ambry Genetics
Classification: Uncertain significance for Inborn genetic diseases. Last evaluated: 2025-08-31. Review status: criteria provided, single submitter. Criteria: Ambry Variant Classification Scheme 2023. Collection method: clinical testing. Allele origin: germline.

PreventionGenetics, part of Exact Sciences
Classification: Uncertain significance for FIGLA-related condition. Last evaluated: 2024-11-27. Review status: criteria provided, single submitter. Criteria: ACMG Guidelines, 2015. Collection method: clinical testing. Allele origin: germline.
Comment: The FIGLA c.94G>A variant is predicted to result in the amino acid substitution p.Glu32Lys. To our knowledge, this variant has not been reported in the literature or in a large population database (gnomAD), indicating this variant is rare. At this time, the clinical significance of this variant is uncertain due to the absence of conclusive functional and genetic evidence.